The following is an entry in ClinVar:

NM_002894.3(RBBP8):c.139C>T (p.Gln47Ter)

Gene: RBBP8 (RB binding protein 8, endonuclease; plus strand). Cytogenetic location: 18q11.2.
Variant type: single nucleotide variant.
Coding change: c.139C>T on transcript NM_002894.3 (MANE Select); coding-DNA position 139, C replaced by T.
Protein change: p.Gln47Ter; replaces glutamine 47 with a stop codon.
Molecular consequence: nonsense.
Genome position (GRCh38, 1-based): chr18:22,946,473, C>T. VCF-style: chr18-22946473-C-T. GRCh37 (hg19) VCF-style: chr18-20526436-C-T.
Other names: c.139C>T, p.Gln47Ter (NM_203291.2, NM_203292.2); short protein forms Q47*.
Identifiers: ClinVar variation 392730 (VCV000392730.7), dbSNP rs762396810, ClinGen allele CA8909703.
Genomic context (GRCh38, chr18:22,946,473, plus strand): 5'-AGAAGTAATACCTTTTCTTTTTACTTTTCAGGTTTACAAGTAAAAGTAACCAAGCTAAAA[C>T]AGGAACGAATCTTGTAAGTATCAGTATGTAATACTCATGTGTTATTTATAGAGTAGTTGA-3'

ClinVar aggregate classification (germline): Likely pathogenic. Review status: criteria provided, multiple submitters, no conflicts (2 of 4 stars). 2 submissions from 2 submitters: Likely pathogenic (2). Last evaluated 2020-10-19.

Conditions:
Seckel syndrome 2 (SCKL2). Also called: MICROCEPHALIC PRIMORDIAL DWARFISM 2; SECKEL-TYPE DWARFISM 2. Identifiers: Orphanet 808, MedGen C1847572, MONDO:0011715, OMIM 606744.

Allele frequency attached by ClinVar (database versions not stated): ExAC 0.00001; gnomAD 0.00001; gnomAD exomes 0.00002 and 0.00003; TOPMed 0.00002.

Submissions (2):

Victorian Clinical Genetics Services, Murdoch Childrens Research Institute
Classification: Likely pathogenic for Seckel syndrome 2. Last evaluated: 2020-10-19. Review status: criteria provided, single submitter. Criteria: ACMG Guidelines, 2015. Collection method: clinical testing. Allele origin: germline. Inheritance: Autosomal recessive inheritance.
Comment: Based on the classification scheme VCGS_Germline_v1.3.3, this variant is classified as Likely Pathogenic. Following criteria are met: 0102 - Loss of function is likely a mechanism of disease in this gene and is associated with RBBP8-related syndrome. (I) 0106 - This gene is associated with autosomal recessive disease. (I) 0201 - Variant is predicted to cause nonsense-mediated decay (NMD) and loss of protein (premature termination codon is located at least 54 nucleotides upstream of the final exon-exon junction). (SP) 0251 - This variant is heterozygous. (I) 0304 - Variant is present in gnomAD (v2) <0.01 for a recessive condition (5 heterozygotes, 0 homozygotes). (SP) 0402 - Variant is located in a gene associated with a severe early-onset recessive condition that is intolerant to bi-allelic loss of function variants (OMIM, gnomAD). (SP) 0703 - Other NMD variants comparable to the one identified in this case have moderate previous evidence for pathogenicity (ClinVar, Decipher). (SP) 0803 - This variant has limited previous evidence of pathogenicity in one individual with no associated condition provided (ClinVar). (SP) 0905 - No published segregation evidence has been identified for this variant. (I) 1007 - No published functional evidence has been identified for this variant. (I) 1208 - Inheritance information for this variant is not currently available in this individual. (I) Legend: (SP) - Supporting pathogenic, (I) - Information, (SB) - Supporting benign

GeneDx
Classification: Likely pathogenic. Last evaluated: 2020-08-10. Review status: criteria provided, single submitter. Criteria: GeneDx Variant Classification Process June 2021. Collection method: clinical testing. Allele origin: germline. Affected: yes.
Comment: Nonsense variant predicted to result in protein truncation or nonsense mediated decay in a gene for which loss-of-function is a known mechanism of disease; Not observed at a significant frequency in large population cohorts (Lek et al., 2016); Has not been previously published as pathogenic or benign to our knowledge